The following is an entry in ClinVar:

NM_001376.5(DYNC1H1):c.5166G>T (p.Thr1722=)

Gene: DYNC1H1 (dynein cytoplasmic 1 heavy chain 1; plus strand). Cytogenetic location: 14q32.31.
Variant type: single nucleotide variant.
Coding change: c.5166G>T on transcript NM_001376.5 (MANE Select); coding-DNA position 5166, G replaced by T.
Protein change: p.Thr1722=; no amino-acid change (threonine 1722 retained).
Molecular consequence: synonymous variant.
Genome position (GRCh38, 1-based): chr14:102,004,878, G>T. VCF-style: chr14-102004878-G-T. GRCh37 (hg19) VCF-style: chr14-102471215-G-T.
Identifiers: ClinVar variation 696941 (VCV000696941.14), dbSNP rs369232191, ClinGen allele CA7352359.

ClinVar aggregate classification (germline): Likely benign. Review status: criteria provided, multiple submitters, no conflicts (2 of 4 stars). 3 submissions from 3 submitters: Likely benign (3). Last evaluated 2026-02-20.

Conditions:
DYNC1H1-related disorder. Also called: DYNC1H1-related condition; DYNC1H1-related disorders. Identifiers: MedGen CN381529.
Charcot-Marie-Tooth disease axonal type 2O. Also called: CHARCOT-MARIE-TOOTH NEUROPATHY, AXONAL, TYPE 2O; CHARCOT-MARIE-TOOTH DISEASE, AXONAL, AUTOSOMAL DOMINANT, TYPE 2O; Charcot-Marie-Tooth Neuropathy Type 2O; Charcot-Marie-Tooth disease, axonal, type 20. Identifiers: Orphanet 284232, MedGen C3280220, MONDO:0013644, OMIM 614228.

Allele frequency attached by ClinVar (database versions not stated): gnomAD 0.00003; ESP Exome Variant Server 0.00015.
gnomAD v4.1: 135 of 1,614,096 alleles (0.0084%); highest among the groups gnomAD compares: Non-Finnish European, 0.011%; no homozygotes.

Submissions (3):

PreventionGenetics, part of Exact Sciences
Classification: Likely benign for DYNC1H1-related condition. Last evaluated: 2026-02-20. Review status: criteria provided, single submitter. Criteria: ACMG Guidelines, 2015. Collection method: clinical testing. Allele origin: germline.
Comment: This variant is classified as likely benign based on ACMG/AMP sequence variant interpretation guidelines (Richards et al. 2015 PMID: 25741868, with internal and published modifications).

Labcorp Genetics (formerly Invitae), Labcorp
Classification: Likely benign for Charcot-Marie-Tooth disease axonal type 2O. Last evaluated: 2025-12-21. Review status: criteria provided, single submitter. Criteria: Invitae Variant Classification Sherloc (09022015). Collection method: clinical testing. Allele origin: germline.

GeneDx
Classification: Likely benign. Last evaluated: 2019-08-02. Review status: criteria provided, single submitter. Criteria: GeneDx Variant Classification Process June 2021. Collection method: clinical testing. Allele origin: germline. Affected: yes.